The following is an entry in ClinVar:

ClinVar aggregate classification (germline): Likely pathogenic (1 of 4 stars; one submission).

Submission:

Labcorp Genetics (formerly Invitae), Labcorp
Classification: Likely pathogenic. Last evaluated: 2022-03-26. Review status: criteria provided, single submitter. Criteria: Invitae Variant Classification Sherloc (09022015). Collection method: clinical testing. Allele origin: germline.
Comment: In summary, the currently available evidence indicates that the variant is pathogenic, but additional data are needed to prove that conclusively. Therefore, this variant has been classified as Likely Pathogenic. This variant disrupts the highly conserved phosphatidylinositol 3-kinase-related kinase (PIKK) catalytic domain of the ATR protein, which is essential for ATR-mediated DNA damage response signaling (PMID: 15279773, 28622525, 30559436). While functional studies have not been performed to directly test the effect of this variant on ATR protein function, this suggests that disruption of this region of the protein is causative of disease. This variant has not been reported in the literature in individuals affected with ATR-related conditions. This variant is a gross deletion of the genomic region encompassing exon(s) 16-47 of the ATR gene, which includes the termination codon. This deletion extends beyond the assayed region for this gene and therefore may encompass additional genes. While this deletion is not anticipated to lead to nonsense mediated decay, it is expected to alter mRNA translation or result in a truncated protein product.

Literature cited by the submitters: PubMed 15279773; PubMed 28622525; PubMed 30559436.

NC_000003.11:g.(?_142168271)_(142266772_?)del

Gene: ATR (ATR serine/threonine kinase; minus strand). Cytogenetic location: 3q23.
Variant type: Deletion.
Identifiers: ClinVar variation 2423940 (VCV002423940.4).